The following is an entry in ClinVar:

ClinVar aggregate classification (germline): Pathogenic. Review status: criteria provided, multiple submitters, no conflicts (2 of 4 stars). 3 submissions from 3 submitters: Pathogenic (3). Last evaluated 2025-06-30.

Conditions:
NR3C2-related disorder. Also called: NR3C2-related disorders; NR3C2-related condition.
Pseudohyperaldosteronism type 2. Identifiers: Orphanet 88660, MedGen C1854631, MONDO:0011517, OMIM 605115.
Autosomal dominant pseudohypoaldosteronism type 1. Also called: PHA I, AUTOSOMAL DOMINANT; Pseudohypoaldosteronism, Type I, Dominant; Pseudohypoaldosteronism, Type I, Autosomal Dominant. Identifiers: Orphanet 171871, Orphanet 756, MedGen C1449842, MONDO:0008329, OMIM 177735.

gnomAD v4.1: 1 of 1,612,410 alleles (0.000062%); no homozygotes.

Submissions (3):

PreventionGenetics, part of Exact Sciences
Classification: Pathogenic for NR3C2-related condition. Last evaluated: 2025-06-30. Review status: criteria provided, single submitter. Criteria: ACMG Guidelines, 2015. Collection method: clinical testing. Allele origin: germline.
Comment: The NR3C2 c.1954C>T variant is predicted to result in premature protein termination (p.Arg652*). This variant has been reported in individuals with pseudohypoaldosteronism (Pujo et al. 2007. PubMed ID: 16972228; Gopal-Kothandapani et al. 2019. PubMed ID: 31301676). This variant is reported in 0.0099% of alleles in individuals of Ashkenazi Jewish descent in gnomAD. Nonsense variants in NR3C2 are expected to be pathogenic. This variant is interpreted as pathogenic.

Fulgent Genetics
Classification: Pathogenic for Autosomal dominant pseudohypoaldosteronism type 1; Pseudohyperaldosteronism type 2. Last evaluated: 2024-04-02. Review status: criteria provided, single submitter. Criteria: ACMG Guidelines, 2015. Collection method: clinical testing. Allele origin: germline.

Blueprint Genetics
Classification: Pathogenic for NR3C2-related disorders. Last evaluated: 2020-07-20. Review status: criteria provided, single submitter. Criteria: ACMG Guidelines, 2015. Collection method: clinical testing. Allele origin: germline. Affected: yes. Observed: 2 variant alleles.

NM_000901.5(NR3C2):c.1954C>T (p.Arg652Ter)

Gene: NR3C2 (nuclear receptor subfamily 3 group C member 2; minus strand). Cytogenetic location: 4q31.23.
Variant type: single nucleotide variant.
Coding change: c.1954C>T on transcript NM_000901.5 (MANE Select); coding-DNA position 1954, C replaced by T.
Protein change: p.Arg652Ter; replaces arginine 652 with a stop codon.
Molecular consequence: nonsense. On other transcripts: non-coding transcript variant (1).
Genome position (GRCh38, 1-based): chr4:148,194,806, G>A on the plus strand (C>T on the coding strand, the complement: NR3C2 is on the minus strand). VCF-style: chr4-148194806-G-A. GRCh37 (hg19) VCF-style: chr4-149115957-G-A.
Other names: c.1954C>T (NM_000901.4); c.1954C>T, p.Arg652Ter (NM_001166104.2, NM_001354819.1); short protein forms R652*.
Identifiers: ClinVar variation 3590196 (VCV003590196.3).